The following is an entry in ClinVar:

ClinVar aggregate classification (germline): Uncertain significance (1 of 4 stars; one submission).

gnomAD v4.1: 1 of 1,613,642 alleles (0.000062%); highest among the groups gnomAD compares: Non-Finnish European, 0.000085%; no homozygotes.

Submission:

Labcorp Genetics (formerly Invitae), Labcorp
Classification: Uncertain significance. Last evaluated: 2025-10-09. Review status: criteria provided, single submitter. Criteria: Invitae Variant Classification Sherloc (09022015). Collection method: clinical testing. Allele origin: germline.
Comment: This sequence change replaces isoleucine, which is neutral and non-polar, with valine, which is neutral and non-polar, at codon 515 of the OPA1 protein (p.Ile515Val). This variant is not present in population databases (gnomAD no frequency). This variant has not been reported in the literature in individuals affected with OPA1-related conditions. ClinVar contains an entry for this variant (Variation ID: 1926436). Invitae Evidence Modeling of protein sequence and biophysical properties (such as structural, functional, and spatial information, amino acid conservation, physicochemical variation, residue mobility, and thermodynamic stability) indicates that this missense variant is expected to disrupt OPA1 protein function with a positive predictive value of 80%. In summary, the available evidence is currently insufficient to determine the role of this variant in disease. Therefore, it has been classified as a Variant of Uncertain Significance.

NM_130837.3(OPA1):c.1708A>G (p.Ile570Val)

Gene: OPA1 (OPA1 mitochondrial dynamin like GTPase; plus strand). Cytogenetic location: 3q29.
Variant type: single nucleotide variant.
Coding change: c.1708A>G on transcript NM_130837.3 (MANE Select); coding-DNA position 1708, A replaced by G.
Protein change: p.Ile570Val; replaces isoleucine 570 with valine.
Molecular consequence: missense variant.
Genome position (GRCh38, 1-based): chr3:193,645,754, A>G. VCF-style: chr3-193645754-A-G. GRCh37 (hg19) VCF-style: chr3-193363543-A-G.
Other names: c.1174A>G, p.Ile392Val (NM_001354663.2); c.1171A>G, p.Ile391Val (NM_001354664.2); c.1543A>G, p.Ile515Val (NM_015560.3); c.1435A>G, p.Ile479Val (NM_130831.3); c.1489A>G, p.Ile497Val (NM_130832.3); c.1546A>G, p.Ile516Val (NM_130833.3); c.1597A>G, p.Ile533Val (NM_130834.3); c.1600A>G, p.Ile534Val (NM_130835.3); and 1 more; short protein forms I497V, I515V, I533V, I552V, I534V, I570V, I391V, I392V.
Identifiers: ClinVar variation 1926436 (VCV001926436.5), dbSNP rs776979728, ClinGen allele CA355790222.